The following is an entry in ClinVar:

ClinVar aggregate classification (germline): Uncertain significance. Review status: criteria provided, multiple submitters, no conflicts (2 of 4 stars). 2 submissions from 2 submitters: Uncertain significance (2). Last evaluated 2023-12-20.

Allele frequency attached by ClinVar (database versions not stated): TOPMed 0.00001.
gnomAD v4.1: 5 of 1,603,468 alleles (0.00031%); highest among the groups gnomAD compares: Admixed American, 0.0017%; no homozygotes.

Submissions (2):

Ambry Genetics
Classification: Uncertain significance. Last evaluated: 2023-12-20. Review status: criteria provided, single submitter. Criteria: Ambry Variant Classification Scheme 2023. Collection method: clinical testing. Allele origin: germline.

Greenwood Genetic Center Diagnostic Laboratories, Greenwood Genetic Center
Classification: Uncertain significance. Last evaluated: 2023-10-04. Review status: criteria provided, single submitter. Criteria: ACMG Guidelines, 2015. Collection method: clinical testing. Allele origin: germline. Affected: yes.
Comment: Gene of Uncertain Significance

NM_018347.3(AP5S1):c.221G>A (p.Arg74Gln)

Gene: AP5S1 (adaptor related protein complex 5 subunit sigma 1; plus strand). Cytogenetic location: 20p13.
Variant type: single nucleotide variant.
Coding change: c.221G>A on transcript NM_018347.3 (MANE Select); coding-DNA position 221, G replaced by A.
Protein change: p.Arg74Gln; replaces arginine 74 with glutamine.
Molecular consequence: missense variant.
Genome position (GRCh38, 1-based): chr20:3,823,915, G>A. VCF-style: chr20-3823915-G-A. GRCh37 (hg19) VCF-style: chr20-3804562-G-A.
Other names: c.221G>A, p.Arg74Gln (NM_001204446.2, NM_001204447.2); c.221G>A (NM_001204446.1); short protein forms R74Q.
Identifiers: ClinVar variation 2692456 (VCV002692456.2), dbSNP rs994202221, ClinGen allele CA311018937.